The following is an entry in ClinVar:

ClinVar aggregate classification (germline): Uncertain significance. Review status: criteria provided, single submitter (1 of 4 stars). 2 submissions from 2 submitters: Uncertain significance (1). 1 of the submissions does not count toward it. Last evaluated 2025-08-25.

Conditions:
Long QT syndrome (LQTS). Identifiers: MedGen C0023976, MeSH D008133, MONDO:0002442. Disease mechanism: loss of function. Inheritance: Various modes of inheritance.

Allele frequency attached by ClinVar (database versions not stated): TOPMed 0.00001; ExAC 0.00002; gnomAD exomes 0.00002; gnomAD 0.00003.

Submissions (2):

Labcorp Genetics (formerly Invitae), Labcorp
Classification: Uncertain significance. Last evaluated: 2025-08-25. Review status: criteria provided, single submitter. Criteria: Invitae Variant Classification Sherloc (09022015). Collection method: clinical testing. Allele origin: germline.
Comment: This sequence change replaces aspartic acid, which is acidic and polar, with asparagine, which is neutral and polar, at codon 217 of the TNFRSF6B protein (p.Asp217Asn). This variant is present in population databases (rs754782569, gnomAD 0.01%). This variant has not been reported in the literature in individuals affected with TNFRSF6B-related conditions. ClinVar contains an entry for this variant (Variation ID: 207870). An algorithm developed to predict the effect of missense changes on protein structure and function outputs the following: PolyPhen-2: "Benign". The asparagine amino acid residue is found in multiple mammalian species, which suggests that this missense change does not adversely affect protein function. In summary, the available evidence is currently insufficient to determine the role of this variant in disease. Therefore, it has been classified as a Variant of Uncertain Significance.

Medical Research Institute, Tokyo Medical and Dental University
Classification: Likely benign for Long QT syndrome. Review status: no assertion criteria provided. Collection method: research. Allele origin: germline. Affected: yes. Not counted in ClinVar's aggregate classification.

Literature cited by the submitters: PubMed 26132555 (cited by Medical Research Institute, Tokyo Medical and Dental University).

NM_003823.4(TNFRSF6B):c.649G>A (p.Asp217Asn)

Genes: TNFRSF6B (TNF receptor superfamily member 6b; plus strand), RTEL1-TNFRSF6B (RTEL1-TNFRSF6B readthrough (NMD candidate); plus strand). Cytogenetic location: 20q13.33.
Variant type: single nucleotide variant.
Coding change: c.649G>A on transcript NM_003823.4 (MANE Select); coding-DNA position 649, G replaced by A.
Protein change: p.Asp217Asn; replaces aspartic acid 217 with asparagine.
Molecular consequence: missense variant. On other transcripts: non-coding transcript variant (1).
Genome position (GRCh38, 1-based): chr20:63,698,309, G>A. VCF-style: chr20-63698309-G-A. GRCh37 (hg19) VCF-style: chr20-62329662-G-A.
Other names: short protein forms D217N.
Identifiers: ClinVar variation 207870 (VCV000207870.8), dbSNP rs754782569, ClinGen allele CA204119.